The following is an entry in ClinVar:

ClinVar aggregate classification (germline): Uncertain significance (1 of 4 stars; one submission).

Conditions:
Baller-Gerold syndrome (BGS). Also called: CRANIOSYNOSTOSIS WITH RADIAL DEFECTS. Identifiers: Orphanet 1225, MedGen C0265308, MONDO:0009039, OMIM 218600.

Submission:

Labcorp Genetics (formerly Invitae), Labcorp
Classification: Uncertain significance for Baller-Gerold syndrome. Last evaluated: 2023-05-18. Review status: criteria provided, single submitter. Criteria: Invitae Variant Classification Sherloc (09022015). Collection method: clinical testing. Allele origin: germline.
Comment: In summary, the available evidence is currently insufficient to determine the role of this variant in disease. Therefore, it has been classified as a Variant of Uncertain Significance. Advanced modeling of protein sequence and biophysical properties (such as structural, functional, and spatial information, amino acid conservation, physicochemical variation, residue mobility, and thermodynamic stability) performed at Invitae indicates that this missense variant is not expected to disrupt RECQL4 protein function. ClinVar contains an entry for this variant (Variation ID: 459443). This variant has not been reported in the literature in individuals affected with RECQL4-related conditions. This variant is not present in population databases (gnomAD no frequency). This sequence change replaces glycine, which is neutral and non-polar, with cysteine, which is neutral and slightly polar, at codon 981 of the RECQL4 protein (p.Gly981Cys).

NM_004260.4(RECQL4):c.2941G>T (p.Gly981Cys)

Gene: RECQL4 (RecQ like helicase 4; minus strand). Cytogenetic location: 8q24.3.
Variant type: single nucleotide variant.
Coding change: c.2941G>T on transcript NM_004260.4 (MANE Select); coding-DNA position 2941, G replaced by T.
Protein change: p.Gly981Cys; replaces glycine 981 with cysteine.
Molecular consequence: missense variant.
Genome position (GRCh38, 1-based): chr8:144,512,506, C>A on the plus strand (G>T on the coding strand, the complement: RECQL4 is on the minus strand). VCF-style: chr8-144512506-C-A. GRCh37 (hg19) VCF-style: chr8-145737889-C-A.
Other names: short protein forms G981C.
Identifiers: ClinVar variation 459443 (VCV000459443.3), dbSNP rs757541591, ClinGen allele CA372673284.
Genomic context (GRCh38, chr8:144,512,506, plus strand): 5'-CCAGCTCCCAGCCCATGGAGTCCACCAGCTTGACCATGTCAAACTCCACGGAGCTGCTGC[C>A]TTGCCCTGGGTCCTCAGGCAGCTGCTGGGCCAAGCACACAGCCAAAGGGGGACACCTGTG-3'
Protein context (NP_004251.4, residues 971-991): AQQLPEDPGQ[Gly981Cys]SSSVEFDMVK